The following is an entry in ClinVar:

NM_020937.4(FANCM):c.5870T>C (p.Val1957Ala)

Gene: FANCM (FA complementation group M; plus strand). Cytogenetic location: 14q21.2.
Variant type: single nucleotide variant.
Coding change: c.5870T>C on transcript NM_020937.4 (MANE Select); coding-DNA position 5870, T replaced by C.
Protein change: p.Val1957Ala; replaces valine 1957 with alanine.
Molecular consequence: missense variant.
Genome position (GRCh38, 1-based): chr14:45,198,797, T>C. VCF-style: chr14-45198797-T-C. GRCh37 (hg19) VCF-style: chr14-45668000-T-C.
Other names: c.5792T>C, p.Val1931Ala (NM_001308133.2); short protein forms V1957A, V1931A.
Identifiers: ClinVar variation 848137 (VCV000848137.12), dbSNP rs1890211851, ClinGen allele CA389587149.

ClinVar aggregate classification (germline): Uncertain significance. Review status: criteria provided, multiple submitters, no conflicts (2 of 4 stars). 2 submissions from 2 submitters: Uncertain significance (2). Last evaluated 2020-09-11.

Conditions:
Fanconi anemia (FA). Also called: Fanconi's anemia. Identifiers: Orphanet 84, MedGen C0015625, MeSH D005199, MONDO:0019391.

Allele frequency attached by ClinVar (database versions not stated): gnomAD exomes below 0.00001; TOPMed 0.00001.
gnomAD v4.1: 1 of 1,614,062 alleles (0.000062%); highest among the groups gnomAD compares: Non-Finnish European, 0.000085%; no homozygotes.

Submissions (2):

GeneDx
Classification: Uncertain significance. Last evaluated: 2020-09-11. Review status: criteria provided, single submitter. Criteria: GeneDx Variant Classification Process June 2021. Collection method: clinical testing. Allele origin: germline. Affected: yes.
Comment: Not observed in large population cohorts (Lek 2016); In silico analysis supports that this missense variant does not alter protein structure/function; Has not been previously published as pathogenic or benign to our knowledge

Labcorp Genetics (formerly Invitae), Labcorp
Classification: Uncertain significance for Fanconi anemia. Last evaluated: 2019-05-20. Review status: criteria provided, single submitter. Criteria: Invitae Variant Classification Sherloc (09022015). Collection method: clinical testing. Allele origin: germline.
Comment: In summary, the available evidence is currently insufficient to determine the role of this variant in disease. Therefore, it has been classified as a Variant of Uncertain Significance. Algorithms developed to predict the effect of missense changes on protein structure and function output the following: SIFT: "Tolerated"; PolyPhen-2: "Benign"; Align-GVGD: "Class C0". The alanine amino acid residue is found in multiple mammalian species, suggesting that this missense change does not adversely affect protein function. These predictions have not been confirmed by published functional studies and their clinical significance is uncertain. This variant has not been reported in the literature in individuals with FANCM-related conditions. This variant is not present in population databases (ExAC no frequency). This sequence change replaces valine with alanine at codon 1957 of the FANCM protein (p.Val1957Ala). The valine residue is weakly conserved and there is a small physicochemical difference between valine and alanine.